The following is an entry in ClinVar:

ClinVar aggregate classification (germline): Uncertain significance (1 of 4 stars; one submission).

Conditions:
Inborn genetic diseases. Identifiers: MedGen C0950123, MeSH D030342.

gnomAD v4.1: 6 of 1,613,812 alleles (0.00037%); highest among the groups gnomAD compares: Non-Finnish European, 0.00051%; no homozygotes.

Submission:

Ambry Genetics
Classification: Uncertain significance for Inborn genetic diseases. Last evaluated: 2025-12-22. Review status: criteria provided, single submitter. Criteria: Ambry Variant Classification Scheme 2023. Collection method: clinical testing. Allele origin: germline.
Comment: The c.1241T>G (p.I414S) alteration is located in exon 14 (coding exon 12) of the RPH3A gene. This alteration results from a T to G substitution at nucleotide position 1241, causing the isoleucine (I) at amino acid position 414 to be replaced by a serine (S). Based on data from gnomAD, the G allele has an overall frequency of <0.001% (0/250924) total alleles studied. The highest observed frequency was <0.001% (/) of alleles. Based on insufficient or conflicting evidence, the clinical significance of this alteration remains unclear.

NM_001143854.2(RPH3A):c.1241T>G (p.Ile414Ser)

Gene: RPH3A (rabphilin 3A; plus strand). Cytogenetic location: 12q24.13.
Variant type: single nucleotide variant.
Coding change: c.1241T>G on transcript NM_001143854.2 (MANE Select); coding-DNA position 1241, T replaced by G.
Protein change: p.Ile414Ser; replaces isoleucine 414 with serine.
Molecular consequence: missense variant. On other transcripts: non-coding transcript variant (2).
Genome position (GRCh38, 1-based): chr12:112,879,188, T>G. VCF-style: chr12-112879188-T-G. GRCh37 (hg19) VCF-style: chr12-113316993-T-G.
Other names: c.1241T>G, p.Ile414Ser (NM_001347952.2, NM_001347953.1, NM_001347954.2); c.1040T>G, p.Ile347Ser (NM_001347955.2); c.1229T>G, p.Ile410Ser (NM_014954.4); short protein forms I347S, I410S, I414S.
Identifiers: ClinVar variation 4830528 (VCV004830528.1).
Genomic context (GRCh38, chr12:112,879,188, plus strand): 5'-GTGCCCTGGAATTCAGCCTTCTCTACGACCAGGACAACAGCTCCCTGCAGTGCACCATCA[T>G]TAAGGCCAAGGTGGGTGATGGGGACCATGCAGGGAACCTCTCAGGATGCTCTGGCATGGC-3'
Protein context (NP_001137326.1, residues 404-424): QDNSSLQCTI[Ile414Ser]KAKGLKPMDS